The following is an entry in ClinVar:

NM_000312.4(PROC):c.-50A>T

Gene: PROC (protein C, inactivator of coagulation factors Va and VIIIa; plus strand). Cytogenetic location: 2q14.3.
Variant type: single nucleotide variant.
Coding change: c.-50A>T on transcript NM_000312.4 (MANE Select); 50 bases upstream of the start codon, A replaced by T.
Molecular consequence: 5 prime UTR variant. On other transcripts: synonymous variant (6).
Genome position (GRCh38, 1-based): chr2:127,418,464, A>T. VCF-style: chr2-127418464-A-T. GRCh37 (hg19) VCF-style: chr2-128176040-A-T.
Other names: c.18A>T, p.Arg6= (NM_001375602.1, NM_001375603.1, NM_001375604.1 and 3 more transcripts); c.-50A>T (NM_001375605.1, NM_001375608.1, NM_001375610.1); c.-66A>T (NM_001375611.1).
Identifiers: ClinVar variation 255808 (VCV000255808.23), dbSNP rs1799810, ClinGen allele CA1859165.

ClinVar aggregate classification (germline): Benign. Review status: criteria provided, multiple submitters, no conflicts (2 of 4 stars). 9 submissions from 9 submitters: Benign (6). 3 of the submissions do not count toward it. Last evaluated 2025-12-15.

Conditions:
Thrombophilia due to protein C deficiency, autosomal dominant. Also called: PROC DEFICIENCY, AUTOSOMAL DOMINANT; PROTEIN C DEFICIENCY, AUTOSOMAL DOMINANT. Identifiers: Orphanet 745, MedGen C2674321, MONDO:0008316, OMIM 176860. Disease mechanism: loss of function.

Allele frequency attached by ClinVar (database versions not stated): gnomAD exomes 0.38070 and 0.42328; 1000 Genomes Project 0.39317; 1000 Genomes Project 30x 0.40272; gnomAD 0.43790 and 0.44475; TOPMed 0.43973; ExAC 0.45137.
gnomAD v4.1: 547,740 of 1,289,384 alleles (42%); highest among the groups gnomAD compares: African/African-American, 56%; 118,714 homozygotes.

Submissions (9):

Labcorp Genetics (formerly Invitae), Labcorp
Classification: Benign for Thrombophilia due to protein C deficiency, autosomal dominant. Last evaluated: 2025-12-15. Review status: criteria provided, single submitter. Criteria: Invitae Variant Classification Sherloc (09022015). Collection method: clinical testing. Allele origin: germline.

Blueprint Genetics
Classification: Benign. Last evaluated: 2024-11-26. Review status: criteria provided, single submitter. Criteria: ACMG Guidelines, 2015. Collection method: clinical testing. Allele origin: germline.

Illumina Laboratory Services, Illumina
Classification: Benign for Thrombophilia due to protein C deficiency, autosomal dominant. Last evaluated: 2018-03-06. Review status: criteria provided, single submitter. Criteria: ICSL Variant Classification Criteria 13 December 2019. Collection method: clinical testing. Allele origin: germline.
Comment: This variant was observed in the ICSL laboratory as part of a predisposition screen in an ostensibly healthy population. It had not been previously curated by ICSL or reported in the Human Gene Mutation Database (HGMD: prior to June 1st, 2018), and was therefore a candidate for classification through an automated scoring system. Utilizing variant allele frequency, disease prevalence and penetrance estimates, and inheritance mode, an automated score was calculated to assess if this variant is too frequent to cause the disease. Based on the score and internal cut-off values, a variant classified as benign is not then subjected to further curation. The score for this variant resulted in a classification of benign for this disease.

Mayo Clinic Laboratories, Mayo Clinic
Classification: Benign. Last evaluated: 2016-05-26. Review status: criteria provided, single submitter. Criteria: ACMG Guidelines, 2015. Collection method: clinical testing. Allele origin: germline. Observed: 186 variant alleles.

Breakthrough Genomics
Classification: Benign. Review status: criteria provided, single submitter. Criteria: ACMG Guidelines, 2015. Collection method: not provided. Allele origin: germline. Inheritance: Autosomal recessive inheritance. Affected: yes.

PreventionGenetics, part of Exact Sciences
Classification: Benign. Review status: criteria provided, single submitter. Criteria: ACMG Guidelines, 2015. Collection method: clinical testing. Allele origin: germline.

Department of Pathology and Laboratory Medicine, Sinai Health System
Classification: Uncertain significance. Review status: no assertion criteria provided. Collection method: clinical testing. Allele origin: unknown. Affected: yes. Study: The Canadian Open Genetics Repository (COGR). Not counted in ClinVar's aggregate classification.
Comment: Allele frequency is common in at least one population database (frequency: 57.719% in ExAC) based on the frequency threshold of 0.555% for this gene. Variant was observed in a homozygous state in population databases more than expected for disease. A synonymous variant not located in a splice region.

Diagnostic Laboratory, Department of Genetics, University Medical Center Groningen
Classification: Benign. Review status: no assertion criteria provided. Collection method: clinical testing. Allele origin: germline. Affected: yes. Study: VKGL Data-share Consensus. Not counted in ClinVar's aggregate classification.

Joint Genome Diagnostic Labs from Nijmegen and Maastricht, Radboudumc and MUMC+
Classification: Benign. Review status: no assertion criteria provided. Collection method: clinical testing. Allele origin: germline. Affected: yes. Study: VKGL Data-share Consensus. Not counted in ClinVar's aggregate classification.